The following is an entry in ClinVar:

NM_139058.3(ARX):c.1273dup (p.Ala425fs)

Gene: ARX (aristaless related homeobox; minus strand). Cytogenetic location: Xp21.3.
Variant type: Duplication.
Coding change: c.1273dup on transcript NM_139058.3 (MANE Select); coding-DNA position 1273, one base duplicated (G; older notation c.1273dupG).
Protein change: p.Ala425fs; shifts the reading frame from alanine 425.
Molecular consequence: frameshift variant.
Genome position (GRCh38, 1-based): chrX:25,007,286, C duplicated on the plus strand (G on the coding strand, the reverse complement: ARX is on the minus strand); the first of 2 consecutive C bases (chrX:25,007,286-25,007,287); duplicating either gives the same sequence. VCF-style (leftmost placement, unchanged base first): chrX-25007285-G-GC. GRCh37 (hg19) VCF-style: chrX-25025402-G-GC.
Other names: short protein forms A425fs.
Identifiers: ClinVar variation 3392481 (VCV003392481.2).
Genomic context (GRCh38, chrX:25,007,285, plus strand): 5'-GGTAGGCTCGGGAAGGCGGCGGCGGCGGCGGCGGCAGCGGCAGTCCAAGCGGAGTCGAGC[G>GC]CCGGGTGGTGCGGAGGGAAGGGGCTGGCGTCCAGGTAGGGGCTGAGCGGGTGGGTGGCGG-3'

ClinVar aggregate classification (germline): Likely pathogenic (1 of 4 stars; one submission).

Conditions:
X-linked lissencephaly with abnormal genitalia. Identifiers: Orphanet 452, MedGen C1846171, MONDO:0010268, OMIM 300215.

Submission:

Juno Genomics, Hangzhou Juno Genomics, Inc
Classification: Likely pathogenic for X-linked lissencephaly with abnormal genitalia. Review status: criteria provided, single submitter. Criteria: ACMG Guidelines, 2015. Collection method: clinical testing. Allele origin: germline. Affected: yes.
Comment: Absent from controls (or at extremely low frequency if recessive) in Genome Aggregation Database, Exome Sequencing Project, 1000 Genomes Project, or Exome Aggregation Consortium.;Null variant in a gene where loss of function (LOF) is a known mechanism of disease.